The following is an entry in ClinVar:

NM_144997.7(FLCN):c.1539-11G>A

Gene: FLCN (folliculin; minus strand). Cytogenetic location: 17p11.2.
Variant type: single nucleotide variant.
Coding change: c.1539-11G>A on transcript NM_144997.7 (MANE Select); 11 bases into the intron before coding-DNA position 1539, G replaced by A.
Molecular consequence: intron variant.
Genome position (GRCh38, 1-based): chr17:17,213,867, C>T on the plus strand (G>A on the coding strand, the complement: FLCN is on the minus strand). VCF-style: chr17-17213867-C-T. GRCh37 (hg19) VCF-style: chr17-17117181-C-T.
Other names: c.1539-11G>A (NM_001353231.2, NM_001353230.2); c.1593-11G>A (NM_001353229.2).
Identifiers: ClinVar variation 3773099 (VCV003773099.2).

ClinVar aggregate classification (germline): Likely benign. Review status: criteria provided, multiple submitters, no conflicts (2 of 4 stars). 2 submissions from 2 submitters: Likely benign (2). Last evaluated 2026-02-03.

Conditions:
Birt-Hogg-Dube syndrome. Also called: Birt Hogg Dubé syndrome. Identifiers: Orphanet 122, MedGen C0346010, MONDO:0800444.
Birt-Hogg-Dube syndrome 1 (BHD1). Also called: FIBROFOLLICULOMAS WITH TRICHODISCOMAS AND ACROCHORDONS. Identifiers: Orphanet 122, MedGen CN375946, MONDO:0800445, OMIM 135150.

Submissions (2):

Labcorp Genetics (formerly Invitae), Labcorp
Classification: Likely benign for Birt-Hogg-Dube syndrome. Last evaluated: 2026-02-03. Review status: criteria provided, single submitter. Criteria: Invitae Variant Classification Sherloc (09022015). Collection method: clinical testing. Allele origin: germline.

Myriad Genetics, Inc.
Classification: Likely benign for Birt-Hogg-Dube syndrome 1. Last evaluated: 2024-10-28. Review status: criteria provided, single submitter. Criteria: Myriad Autosomal Dominant, Autosomal Recessive and X-Linked Classification Criteria (2023). Collection method: clinical testing. Allele origin: unknown.
Comment: This variant is considered likely benign. This variant is intronic and is not expected to impact mRNA splicing.